The following is an entry in ClinVar:

ClinVar aggregate classification (germline): Uncertain significance (1 of 4 stars; one submission).

Submission:

Ambry Genetics
Classification: Uncertain significance. Last evaluated: 2023-12-21. Review status: criteria provided, single submitter. Criteria: Ambry Variant Classification Scheme 2023. Collection method: clinical testing. Allele origin: germline.
Comment: The p.G1396A variant (also known as c.4187G>C), located in coding exon 11 of the MLH3 gene, results from a G to C substitution at nucleotide position 4187. The glycine at codon 1396 is replaced by alanine, an amino acid with similar properties. This amino acid position is conserved. In addition, this alteration is predicted to be deleterious by in silico analysis. Since supporting evidence is limited at this time, the clinical significance of this alteration remains unclear.

NM_001040108.2(MLH3):c.4187G>C (p.Gly1396Ala)

Gene: MLH3 (mutL homolog 3; minus strand). Cytogenetic location: 14q24.3.
Variant type: single nucleotide variant.
Coding change: c.4187G>C on transcript NM_001040108.2 (MANE Select); coding-DNA position 4187, G replaced by C.
Protein change: p.Gly1396Ala; replaces glycine 1396 with alanine.
Molecular consequence: missense variant.
Genome position (GRCh38, 1-based): chr14:75,018,884, C>G on the plus strand (G>C on the coding strand, the complement: MLH3 is on the minus strand). VCF-style: chr14-75018884-C-G. GRCh37 (hg19) VCF-style: chr14-75485587-C-G.
Other names: c.4115G>C, p.Gly1372Ala (NM_014381.3); short protein forms G1372A, G1396A.
Identifiers: ClinVar variation 3232569 (VCV003232569.1), dbSNP rs2503044263, ClinGen allele CA390418874.